The following is an entry in ClinVar:

ClinVar aggregate classification (germline): Likely benign. Review status: criteria provided, multiple submitters, no conflicts (2 of 4 stars). 2 submissions from 2 submitters: Likely benign (2). Last evaluated 2025-05-13.

Conditions:
Charcot-Marie-Tooth disease axonal type 2P. Also called: CHARCOT-MARIE-TOOTH NEUROPATHY, TYPE 2P; Charcot-Marie-Tooth Neuropathy Type 2G; CHARCOT-MARIE-TOOTH DISEASE, AXONAL, TYPE 2G; CMT 2G. Identifiers: Orphanet 300319, Orphanet 99941, MedGen C3280797, MONDO:0013753, OMIM 614436.

Allele frequency attached by ClinVar (database versions not stated): gnomAD exomes 0.00002 and 0.00003; ExAC 0.00003; TOPMed 0.00003; gnomAD 0.00005 and 0.00006.
gnomAD v4.1: 28 of 1,607,288 alleles (0.0017%); highest among the groups gnomAD compares: African/African-American, 0.0094%; no homozygotes.

Submissions (2):

Labcorp Genetics (formerly Invitae), Labcorp
Classification: Likely benign for Charcot-Marie-Tooth disease axonal type 2P. Last evaluated: 2025-05-13. Review status: criteria provided, single submitter. Criteria: Invitae Variant Classification Sherloc (09022015). Collection method: clinical testing. Allele origin: germline.

GeneDx
Classification: Likely benign. Last evaluated: 2015-12-23. Review status: criteria provided, single submitter. Criteria: GeneDx Variant Classification (06012015). Collection method: clinical testing. Allele origin: germline. Affected: yes.
Comment: This variant is considered likely benign or benign based on one or more of the following criteria: it is a conservative change, it occurs at a poorly conserved position in the protein, it is predicted to be benign by multiple in silico algorithms, and/or has population frequency not consistent with disease.

NM_001005373.4(LRSAM1):c.1347+20C>T

Gene: LRSAM1 (leucine rich repeat and sterile alpha motif containing 1; plus strand). Cytogenetic location: 9q33.3.
Variant type: single nucleotide variant.
Coding change: c.1347+20C>T on transcript NM_001005373.4 (MANE Select); 20 bases into the intron after coding-DNA position 1347, C replaced by T.
Molecular consequence: intron variant.
Genome position (GRCh38, 1-based): chr9:127,487,783, C>T. VCF-style: chr9-127487783-C-T. GRCh37 (hg19) VCF-style: chr9-130250062-C-T.
Other names: c.1347+20C>T (NM_138361.5, NM_001384142.1, NM_001384143.1 and 2 more transcripts); c.558+20C>T (NM_001384144.1).
Identifiers: ClinVar variation 382226 (VCV000382226.5), dbSNP rs766326390, ClinGen allele CA5246939.
Genomic context (GRCh38, chr9:127,487,783, plus strand): 5'-AAATGGATCAGAACAAAGCCATCAGCCAGATCCTGCAGGAGGTGAGCCCTCGCCCAGAGC[C>T]TGAGGGTGGGAGCTCAGGAGGGAGGTTCAGGAGCCAGGGCAGAGTGCAGAGCTCCACACG-3'